The following is an entry in ClinVar:

NM_033305.3(VPS13A):c.1A>T (p.Met1Leu)

Genes: VPS13A (vacuolar protein sorting 13 homolog A; plus strand), VPS13A-AS1 (VPS13A antisense RNA 1; minus strand). Cytogenetic location: 9q21.2.
Variant type: single nucleotide variant.
Coding change: c.1A>T on transcript NM_033305.3 (MANE Select); coding-DNA position 1, A replaced by T.
Protein change: p.Met1Leu; changes the start codon (methionine 1).
Molecular consequence: missense variant, initiator codon variant. On other transcripts: non-coding transcript variant (1).
Genome position (GRCh38, 1-based): chr9:77,177,705, A>T. VCF-style: chr9-77177705-A-T. GRCh37 (hg19) VCF-style: chr9-79792621-A-T.
Other names: c.1A>T, p.Met1Leu (NM_001018037.2, NM_001018038.3, NM_015186.4); short protein forms M1L.
Identifiers: ClinVar variation 1698814 (VCV001698814.3), dbSNP rs2131029946, ClinGen allele CA373989369.

ClinVar aggregate classification (germline): Likely pathogenic (1 of 4 stars; one submission).

Conditions:
VPS13A-related neurodegenerative disease. Also called: VPS13A Disease; LEVINE-CRITCHLEY SYNDROME; ACANTHOCYTOSIS WITH NEUROLOGIC DISORDER; Choreaacanthocytosis; Choreoacanthocytosis; Chorea-acanthocytosis. Identifiers: Orphanet 2388, MedGen C0393576, MONDO:0008695, OMIM 200150.

Submission:

Genetics and Molecular Pathology, SA Pathology
Classification: Likely pathogenic for VPS13A-related neurodegenerative disease. Last evaluated: 2022-02-07. Review status: criteria provided, single submitter. Criteria: ACMG Guidelines, 2015. Collection method: clinical testing. Allele origin: germline. Affected: yes.
Comment: The VPS13A:c.1A>T variant is classified as LIKELY PATHOGENIC (PVS1_Moderate, PM2, PP4, PM3_Supporting). The VPS13A:c.1A>T variant is a single nucleotide substitution in exon 1 at the initiation codon of the VPS13A gene. There are no known alternative start codons in other transcripts that are expressed at detectable levels. This variant is expected to abolish protein translation (PVS1_Moderate). VPS13A:c.1A>T is absent from population databases (PM2). This variant has not been recorded in ClinVar. This variant is not on record in HGMD. This variant has not been described in the scientific literature. Variants damaging to normal protein function of VPS13A are highly specific for this disease and confirm a diagnosis of choreoacanthocytosis (PP4). Parental segregation testing has shown that these variants are in trans (PM3_Supporting).